The following is an entry in ClinVar:

NM_020533.3(MCOLN1):c.572-2A>C

Gene: MCOLN1 (mucolipin TRP cation channel 1; plus strand). Cytogenetic location: 19p13.2.
Variant type: single nucleotide variant.
Coding change: c.572-2A>C on transcript NM_020533.3 (MANE Select); the canonical splice acceptor site of the intron before coding-DNA position 572, A replaced by C.
Molecular consequence: splice acceptor variant.
Genome position (GRCh38, 1-based): chr19:7,527,518, A>C. VCF-style: chr19-7527518-A-C. GRCh37 (hg19) VCF-style: chr19-7592404-A-C.
Other names: c.572-2A>C (NM_020533.2).
Identifiers: ClinVar variation 1068060 (VCV001068060.8), dbSNP rs2146023425, ClinGen allele CA403081846.
Genomic context (GRCh38, chr19:7,527,518, plus strand): 5'-CTGGGGAGACCAGCCTGGCCTCCCCGGCCCCCTGAGGCCCTTCCCTGACTCCCTGTCCTT[A>C]GACTGCATCCAGGTGGATCCCCCCGAGCGGCCCCCTCCGCCCCCCAGCGACGATCTCACC-3'

ClinVar aggregate classification (germline): Likely pathogenic. Review status: criteria provided, multiple submitters, no conflicts (2 of 4 stars). 2 submissions from 2 submitters: Likely pathogenic (2). Last evaluated 2025-09-03.

Conditions:
Mucolipidosis type IV (ML4). Also called: ML IV. Identifiers: Orphanet 578, MedGen C0238286, MONDO:0009653, OMIM 252650.

Allele frequency attached by ClinVar (database versions not stated): gnomAD exomes 0.00001.
gnomAD v4.1: 7 of 1,440,634 alleles (0.00049%); highest among the groups gnomAD compares: Non-Finnish European, 0.00069%; no homozygotes.

Submissions (2):

Natera, Inc.
Classification: Likely pathogenic for Mucolipidosis type IV. Last evaluated: 2025-09-03. Review status: criteria provided, single submitter. Criteria: Natera Variant Classification Schema (03/2026). Collection method: clinical testing. Allele origin: germline.
Comment: The c.572-2A>C variant in MCOLN1 is a canonical splice acceptor site variant predicted to affect pre-mRNA splicing, which may result in an abnormal transcript and altered protein product. This variant is expected to result in nonsense mediated decay, truncation, or a dysfunctional protein product. This variant is rare in the general population with a frequency below the threshold expected for the associated phenotype(s). Given the available evidence, this variant is classified as Likely Pathogenic.

Labcorp Genetics (formerly Invitae), Labcorp
Classification: Likely pathogenic for Mucolipidosis type IV. Last evaluated: 2022-03-20. Review status: criteria provided, single submitter. Criteria: Invitae Variant Classification Sherloc (09022015). Collection method: clinical testing. Allele origin: germline.
Comment: In summary, the currently available evidence indicates that the variant is pathogenic, but additional data are needed to prove that conclusively. Therefore, this variant has been classified as Likely Pathogenic. Algorithms developed to predict the effect of sequence changes on RNA splicing suggest that this variant may disrupt the consensus splice site. ClinVar contains an entry for this variant (Variation ID: 1068060). This variant has not been reported in the literature in individuals affected with MCOLN1-related conditions. This variant is not present in population databases (gnomAD no frequency). This sequence change affects an acceptor splice site in intron 4 of the MCOLN1 gene. It is expected to disrupt RNA splicing. Variants that disrupt the donor or acceptor splice site typically lead to a loss of protein function (PMID: 16199547), and loss-of-function variants in MCOLN1 are known to be pathogenic (PMID: 11030752, 11317355).

Literature cited by the submitters: PubMed 16199547 (cited by Labcorp Genetics (formerly Invitae), Labcorp); PubMed 11030752 (cited by Labcorp Genetics (formerly Invitae), Labcorp); PubMed 11317355 (cited by Labcorp Genetics (formerly Invitae), Labcorp).